The following is an entry in ClinVar:

ClinVar aggregate classification (germline): Likely pathogenic (1 of 4 stars; one submission).

Conditions:
Ehlers-Danlos syndrome, classic type, 1 (EDSCL1). Also called: EHLERS-DANLOS SYNDROME, GRAVIS TYPE; EHLERS-DANLOS SYNDROME, SEVERE CLASSIC TYPE; Ehlers-Danlos syndrome, type 1; EDS I; Ehlers-Danlos Syndrome, Classic Type, COL5A1-Related. Identifiers: MedGen C0268335, MONDO:0019567, OMIM 130000.
Osteogenesis imperfecta type I (OI1). Also called: OI, TYPE I; OSTEOGENESIS IMPERFECTA TARDA; OSTEOGENESIS IMPERFECTA WITH BLUE SCLERAE; Osteogenesis imperfecta type 1; Lobstein's Disease; Lobstein disease. Identifiers: Orphanet 216796, Orphanet 666, MedGen C0023931, MONDO:0008146, OMIM 166200. Disease mechanism: loss of function.

Allele frequency attached by ClinVar (database versions not stated): gnomAD exomes below 0.00001.
gnomAD v4.1: 3 of 1,614,024 alleles (0.00019%); highest among the groups gnomAD compares: Non-Finnish European, 0.00025%; no homozygotes.

Submission:

Labcorp Genetics (formerly Invitae), Labcorp
Classification: Likely pathogenic for Osteogenesis imperfecta type I; Ehlers-Danlos syndrome, classic type, 1. Last evaluated: 2024-01-04. Review status: criteria provided, single submitter. Criteria: Invitae Variant Classification Sherloc (09022015). Collection method: clinical testing. Allele origin: germline.
Comment: This sequence change replaces glycine, which is neutral and non-polar, with serine, which is neutral and polar, at codon 142 of the COL1A2 protein (p.Gly142Ser). This variant is not present in population databases (gnomAD no frequency). This variant has not been reported in the literature in individuals affected with COL1A2-related conditions. ClinVar contains an entry for this variant (Variation ID: 2066376). Advanced modeling of protein sequence and biophysical properties (such as structural, functional, and spatial information, amino acid conservation, physicochemical variation, residue mobility, and thermodynamic stability) performed at Invitae indicates that this missense variant is expected to disrupt COL1A2 protein function with a positive predictive value of 95%. This variant disrupts the triple helix domain of COL1A2. Glycine residues within the Gly-Xaa-Yaa repeats of the triple helix domain are required for the structure and stability of fibrillar collagens (PMID: 7695699, 8218237, 19344236). In COL1A2, variants affecting these glycine residues are significantly enriched in individuals with disease (PMID: 9016532, 17078022) compared to the general population (ExAC). In summary, the currently available evidence indicates that the variant is pathogenic, but additional data are needed to prove that conclusively. Therefore, this variant has been classified as Likely Pathogenic.

Literature cited by the submitters: PubMed 7695699; PubMed 8218237; PubMed 19344236; PubMed 9016532; PubMed 17078022.

NM_000089.4(COL1A2):c.424G>A (p.Gly142Ser)

Gene: COL1A2 (collagen type I alpha 2 chain; plus strand). Cytogenetic location: 7q21.3.
Variant type: single nucleotide variant.
Coding change: c.424G>A on transcript NM_000089.4 (MANE Select); coding-DNA position 424, G replaced by A.
Protein change: p.Gly142Ser; replaces glycine 142 with serine.
Molecular consequence: missense variant.
Genome position (GRCh38, 1-based): chr7:94,404,884, G>A. VCF-style: chr7-94404884-G-A. GRCh37 (hg19) VCF-style: chr7-94034196-G-A.
Other names: short protein forms G142S.
Identifiers: ClinVar variation 2066376 (VCV002066376.4), dbSNP rs2484700140, ClinGen allele CA368219728.